The following is an entry in ClinVar:

ClinVar aggregate classification (germline): Uncertain significance (1 of 4 stars; one submission).

Conditions:
Costello syndrome (CSTLO). Also called: FACIOCUTANEOSKELETAL SYNDROME; FCS SYNDROME; HRAS-Related Costello Syndrome. Identifiers: Orphanet 3071, MedGen C0587248, MONDO:0009026, OMIM 218040.

Submission:

Labcorp Genetics (formerly Invitae), Labcorp
Classification: Uncertain significance for Costello syndrome. Last evaluated: 2025-11-22. Review status: criteria provided, single submitter. Criteria: Invitae Variant Classification Sherloc (09022015). Collection method: clinical testing. Allele origin: germline.
Comment: This sequence change replaces aspartic acid, which is acidic and polar, with asparagine, which is neutral and polar, at codon 105 of the HRAS protein (p.Asp105Asn). This variant is not present in population databases (gnomAD no frequency). This variant has not been reported in the literature in individuals affected with HRAS-related conditions. ClinVar contains an entry for this variant (Variation ID: 1430538). Invitae Evidence Modeling of protein sequence and biophysical properties (such as structural, functional, and spatial information, amino acid conservation, physicochemical variation, residue mobility, and thermodynamic stability) has been performed for this missense variant. However, the output from this modeling did not meet the statistical confidence thresholds required to predict the impact of this variant on HRAS protein function. In summary, the available evidence is currently insufficient to determine the role of this variant in disease. Therefore, it has been classified as a Variant of Uncertain Significance.

NM_005343.4(HRAS):c.313G>A (p.Asp105Asn)

Genes: HRAS (HRas proto-oncogene, GTPase; minus strand), LRRC56 (leucine rich repeat containing 56; plus strand). Cytogenetic location: 11p15.5.
Variant type: single nucleotide variant.
Coding change: c.313G>A on transcript NM_005343.4 (MANE Select); coding-DNA position 313, G replaced by A.
Protein change: p.Asp105Asn; replaces aspartic acid 105 with asparagine.
Molecular consequence: missense variant. On other transcripts: 5 prime UTR variant (1).
Genome position (GRCh38, 1-based): chr11:533,590, C>T on the plus strand (G>A on the coding strand, the complement: HRAS is on the minus strand). VCF-style: chr11-533590-C-T. GRCh37 (hg19) VCF-style: chr11-533590-C-T.
Other names: c.313G>A, p.Asp105Asn (NM_176795.5, NM_001130442.3); c.-7G>A (NM_001318054.2); short protein forms D105N.
Identifiers: ClinVar variation 1430538 (VCV001430538.8), dbSNP rs1274939921, ClinGen allele CA378923785.